The following is an entry in ClinVar:

ClinVar aggregate classification (germline): Uncertain significance. Review status: criteria provided, multiple submitters, no conflicts (2 of 4 stars). 2 submissions from 2 submitters: Uncertain significance (2). Last evaluated 2022-11-15.

Allele frequency attached by ClinVar (database versions not stated): gnomAD exomes below 0.00001; TOPMed 0.00001.
gnomAD v4.1: 1 of 1,438,298 alleles (0.00007%); highest among the groups gnomAD compares: Non-Finnish European, 0.000092%; no homozygotes.

Submissions (2):

Labcorp Genetics (formerly Invitae), Labcorp
Classification: Uncertain significance. Last evaluated: 2022-11-15. Review status: criteria provided, single submitter. Criteria: Invitae Variant Classification Sherloc (09022015). Collection method: clinical testing. Allele origin: germline.
Comment: In summary, the available evidence is currently insufficient to determine the role of this variant in disease. Therefore, it has been classified as a Variant of Uncertain Significance. Algorithms developed to predict the effect of missense changes on protein structure and function are either unavailable or do not agree on the potential impact of this missense change (SIFT: "Deleterious"; PolyPhen-2: "Benign"; Align-GVGD: "Class C0"). ClinVar contains an entry for this variant (Variation ID: 1310977). This variant has not been reported in the literature in individuals affected with CFAP410-related conditions. This variant is not present in population databases (gnomAD no frequency). This sequence change replaces tryptophan, which is neutral and slightly polar, with arginine, which is basic and polar, at codon 26 of the CFAP410 protein (p.Trp26Arg).

GeneDx
Classification: Uncertain significance. Last evaluated: 2020-01-24. Review status: criteria provided, single submitter. Criteria: GeneDx Variant Classification Process June 2021. Collection method: clinical testing. Allele origin: germline. Affected: yes.
Comment: Not observed in large population cohorts (Lek et al., 2016); In silico analysis, which includes protein predictors and evolutionary conservation, supports a deleterious effect; Has not been previously published as pathogenic or benign to our knowledge

NM_004928.3(CFAP410):c.76T>C (p.Trp26Arg)

Genes: CFAP410 (cilia and flagella associated protein 410; minus strand), LOC130066823 (ATAC-STARR-seq lymphoblastoid silent region 13383; plus strand). Cytogenetic location: 21q22.3.
Variant type: single nucleotide variant.
Coding change: c.76T>C on transcript NM_004928.3 (MANE Select); coding-DNA position 76, T replaced by C.
Protein change: p.Trp26Arg; replaces tryptophan 26 with arginine.
Molecular consequence: missense variant.
Genome position (GRCh38, 1-based): chr21:44,339,119, A>G on the plus strand (T>C on the coding strand, the complement: CFAP410 is on the minus strand). VCF-style: chr21-44339119-A-G. GRCh37 (hg19) VCF-style: chr21-45759002-A-G.
Other names: c.76T>C, p.Trp26Arg (NM_001271440.2, NM_001271441.2); short protein forms W26R.
Identifiers: ClinVar variation 1310977 (VCV001310977.4), dbSNP rs2047818802, ClinGen allele CA410460951.